The following is an entry in ClinVar:

ClinVar aggregate classification (germline): Uncertain significance. Review status: criteria provided, multiple submitters, no conflicts (2 of 4 stars). 2 submissions from 2 submitters: Uncertain significance (2). Last evaluated 2024-04-16.

Conditions:
Inborn genetic diseases. Identifiers: MedGen C0950123, MeSH D030342.
Severe combined immunodeficiency due to CORO1A deficiency. Also called: Immunodeficiency 8; IMMUNODEFICIENCY 8 WITH LYMPHOPROLIFERATION. Identifiers: Orphanet 228003, MedGen C3809383, MONDO:0014168, OMIM 615401.

Allele frequency attached by ClinVar (database versions not stated): ExAC 0.00002; gnomAD exomes 0.00002 and 0.00005; gnomAD 0.00003 and 0.00004; TOPMed 0.00003; ESP Exome Variant Server 0.00008.
gnomAD v4.1: 88 of 1,613,932 alleles (0.0055%); highest among the groups gnomAD compares: Non-Finnish European, 0.0065%; no homozygotes.

Submissions (2):

Ambry Genetics
Classification: Uncertain significance for Inborn genetic diseases. Last evaluated: 2024-04-16. Review status: criteria provided, single submitter. Criteria: Ambry Variant Classification Scheme 2023. Collection method: clinical testing. Allele origin: germline.

Labcorp Genetics (formerly Invitae), Labcorp
Classification: Uncertain significance for Severe combined immunodeficiency due to CORO1A deficiency. Last evaluated: 2022-11-01. Review status: criteria provided, single submitter. Criteria: Invitae Variant Classification Sherloc (09022015). Collection method: clinical testing. Allele origin: germline.
Comment: In summary, the available evidence is currently insufficient to determine the role of this variant in disease. Therefore, it has been classified as a Variant of Uncertain Significance. Advanced modeling of protein sequence and biophysical properties (such as structural, functional, and spatial information, amino acid conservation, physicochemical variation, residue mobility, and thermodynamic stability) performed at Invitae indicates that this missense variant is not expected to disrupt CORO1A protein function. ClinVar contains an entry for this variant (Variation ID: 998636). This variant has not been reported in the literature in individuals affected with CORO1A-related conditions. This variant is present in population databases (rs148312916, gnomAD 0.006%). This sequence change replaces arginine, which is basic and polar, with glutamine, which is neutral and polar, at codon 186 of the CORO1A protein (p.Arg186Gln).

NM_007074.4(CORO1A):c.557G>A (p.Arg186Gln)

Genes: CORO1A (coronin 1A; plus strand), LOC121587541 (Sharpr-MPRA regulatory region 7413; plus strand). Cytogenetic location: 16p11.2.
Variant type: single nucleotide variant.
Coding change: c.557G>A on transcript NM_007074.4 (MANE Select); coding-DNA position 557, G replaced by A.
Protein change: p.Arg186Gln; replaces arginine 186 with glutamine.
Molecular consequence: missense variant.
Genome position (GRCh38, 1-based): chr16:30,187,144, G>A. VCF-style: chr16-30187144-G-A. GRCh37 (hg19) VCF-style: chr16-30198465-G-A.
Other names: c.557G>A, p.Arg186Gln (NM_001193333.3); c.557G>A (NM_007074.3); short protein forms R186Q.
Identifiers: ClinVar variation 998636 (VCV000998636.6), dbSNP rs148312916, ClinGen allele CA8003156.
Genomic context (GRCh38, chr16:30,187,144, plus strand): 5'-CCATGCTGACACTGGGCCCAGAGGTGCACCCAGACACGATCTACAGTGTGGACTGGAGCC[G>A]AGATGGAGGCCTCATTTGTACCTCCTGCCGTGACAAGCGCGTGCGCATCATCGAGCCCCG-3'
Protein context (NP_009005.1, residues 176-196): PDTIYSVDWS[Arg186Gln]DGGLICTSCR